The following is an entry in ClinVar:

ClinVar aggregate classification (germline): Uncertain significance. Review status: criteria provided, multiple submitters, no conflicts (2 of 4 stars). 2 submissions from 2 submitters: Uncertain significance (2). Last evaluated 2025-01-11.

Conditions:
Primary hyperoxaluria, type I (HP1). Also called: GLYCOLIC ACIDURIA; HEPATIC AGT DEFICIENCY; OXALOSIS I; Primary hyperoxaluria type 1. Identifiers: Orphanet 416, Orphanet 93598, MedGen C0268164, MONDO:0009823, OMIM 259900. Disease mechanism: loss of function.
AGXT-related disorder. Also called: AGXT-related condition.

gnomAD v4.1: 358 of 1,550,604 alleles (0.023%); highest among the groups gnomAD compares: Middle Eastern, 0.12%; no homozygotes.

Submissions (2):

PreventionGenetics, part of Exact Sciences
Classification: Uncertain significance for AGXT-related condition. Last evaluated: 2025-01-11. Review status: criteria provided, single submitter. Criteria: ACMG Guidelines, 2015. Collection method: clinical testing. Allele origin: germline.
Comment: The AGXT c.941C>T variant is predicted to result in the amino acid substitution p.Pro314Leu. This variant was reported in the heterozygous state, in an individual with hyperoxaluria; however, no second variant in this gene was identified (Murad et al. 2021. PubMed ID: 34082749). This variant is reported in 0.036% of alleles in individuals of European (non-Finnish) descent in gnomAD. At this time, the clinical significance of this variant is uncertain due to the absence of conclusive functional and genetic evidence.

Fulgent Genetics
Classification: Uncertain significance for Primary hyperoxaluria, type I. Last evaluated: 2024-06-01. Review status: criteria provided, single submitter. Criteria: ACMG Guidelines, 2015. Collection method: clinical testing. Allele origin: germline.

NM_000030.3(AGXT):c.941C>T (p.Pro314Leu)

Gene: AGXT (alanine--glyoxylate aminotransferase; plus strand). Cytogenetic location: 2q37.3.
Variant type: single nucleotide variant.
Coding change: c.941C>T on transcript NM_000030.3 (MANE Select); coding-DNA position 941, C replaced by T.
Protein change: p.Pro314Leu; replaces proline 314 with leucine.
Molecular consequence: missense variant.
Genome position (GRCh38, 1-based): chr2:240,877,631, C>T. VCF-style: chr2-240877631-C-T. GRCh37 (hg19) VCF-style: chr2-241817048-C-T.
Other names: c.941C>T (NM_000030.2); short protein forms P314L.
Identifiers: ClinVar variation 3586228 (VCV003586228.2).